The following is an entry in ClinVar:

ClinVar aggregate classification (germline): Pathogenic. Review status: criteria provided, multiple submitters, no conflicts (2 of 4 stars). 2 submissions from 2 submitters: Pathogenic (2). Last evaluated 2024-10-21.

Conditions:
Polycystic kidney disease 4 (PKD4). Also called: POLYCYSTIC KIDNEY AND HEPATIC DISEASE 1; POLYCYSTIC KIDNEY DISEASE, INFANTILE, TYPE I; PKD3; POLYCYSTIC KIDNEY DISEASE 4 WITH OR WITHOUT POLYCYSTIC LIVER DISEASE; Autosomal Recessive Polycystic Kidney Disease – PKHD1. Identifiers: MedGen C4540575, MONDO:0033004, OMIM 263200.
Autosomal recessive polycystic kidney disease (ARPKD). Also called: AR polycystic kidney disease. Identifiers: Orphanet 731, Orphanet 8378, MedGen C0085548, MeSH D017044, MONDO:0009889.

Submissions (2):

Labcorp Genetics (formerly Invitae), Labcorp
Classification: Pathogenic for Autosomal recessive polycystic kidney disease. Last evaluated: 2024-10-21. Review status: criteria provided, single submitter. Criteria: Invitae Variant Classification Sherloc (09022015). Collection method: clinical testing. Allele origin: germline.
Comment: This sequence change creates a premature translational stop signal (p.Lys618Thrfs*5) in the PKHD1 gene. It is expected to result in an absent or disrupted protein product. Loss-of-function variants in PKHD1 are known to be pathogenic (PMID: 19940839). This variant is not present in population databases (gnomAD no frequency). This variant has not been reported in the literature in individuals affected with PKHD1-related conditions. For these reasons, this variant has been classified as Pathogenic.

Myriad Genetics, Inc.
Classification: Pathogenic for Polycystic kidney disease 4. Last evaluated: 2024-01-26. Review status: criteria provided, single submitter. Criteria: Myriad Autosomal Dominant, Autosomal Recessive and X-Linked Classification Criteria (2023). Collection method: clinical testing. Allele origin: unknown.
Comment: NM_138694.3(PKHD1):c.1849_1850dupTA(K618Tfs*5) is expected to be pathogenic in the context of autosomal recessive polycystic kidney disease, PKHD1-related. This variant is predicted to lead to an abnormal or absent protein product due to the creation of a premature termination codon in PKHD1, a gene where loss-of-function variants are known to be pathogenic. Please note: this variant was assessed in the context of healthy population screening.

Literature cited by the submitters: PubMed 19940839 (cited by Labcorp Genetics (formerly Invitae), Labcorp).

NM_138694.4(PKHD1):c.1849_1850dup (p.Lys618fs)

Gene: PKHD1 (PKHD1 ciliary IPT domain containing fibrocystin/polyductin; minus strand). Cytogenetic location: 6p12.2.
Variant type: Duplication.
Coding change: c.1849_1850dup on transcript NM_138694.4 (MANE Select); coding-DNA positions 1849 to 1850, 2 bases duplicated (TA; older notation c.1849_1850dupTA).
Protein change: p.Lys618fs; shifts the reading frame from lysine 618.
Molecular consequence: frameshift variant.
Genome position (GRCh38, 1-based): chr6:52,054,152-52,054,153, TA duplicated on the plus strand (TA on the coding strand, the reverse complement: PKHD1 is on the minus strand); duplicating any 2 consecutive bases within chr6:52,054,152-52,054,154 gives the same sequence; the c. name uses the placement nearest the transcript's 3' end. VCF-style (leftmost placement, unchanged base first): chr6-52054151-G-GTA. GRCh37 (hg19) VCF-style: chr6-51918949-G-GTA.
Other names: c.1849_1850dup, p.Lys618fs (NM_170724.3); short protein forms K618fs.
Identifiers: ClinVar variation 2698106 (VCV002698106.4), dbSNP rs2533289908, ClinGen allele CA2697553416.
Genomic context (GRCh38, chr6:52,054,151, plus strand): 5'-GTTTTGAAAGCCGATTGTGAAGGACACAATCATCTTCAGGATCTTGTTCATGTGGCCTTT[G>GTA]TATGCAAGACACAGCTATGGACACCAAATAAGTCCTTCAGTTCTATTAGTGCAAGAAGCA-3'